The following is an entry in ClinVar:

NM_145046.5(CALR3):c.848C>T (p.Thr283Ile)

Gene: CALR3 (calreticulin 3; minus strand). Cytogenetic location: 19p13.11.
Variant type: single nucleotide variant.
Coding change: c.848C>T on transcript NM_145046.5 (MANE Select); coding-DNA position 848, C replaced by T.
Protein change: p.Thr283Ile; replaces threonine 283 with isoleucine.
Molecular consequence: missense variant.
Genome position (GRCh38, 1-based): chr19:16,482,520, G>A on the plus strand (C>T on the coding strand, the complement: CALR3 is on the minus strand). VCF-style: chr19-16482520-G-A. GRCh37 (hg19) VCF-style: chr19-16593331-G-A.
Other names: short protein forms T283I.
Identifiers: ClinVar variation 416239 (VCV000416239.21), dbSNP rs75099211, ClinGen allele CA9278259.

ClinVar aggregate classification (germline): Conflicting classifications of pathogenicity. Review status: criteria provided, conflicting classifications (1 of 4 stars). 8 submissions from 8 submitters: Uncertain significance (2); Benign (1); Likely benign (2). 3 of the submissions do not count toward it. Last evaluated 2026-02-01.

Conditions:
Hypertrophic cardiomyopathy 19. Also called: Familial hypertrophic cardiomyopathy 19. Identifiers: MedGen CN077603, MONDO:0013476.
Hypertrophic cardiomyopathy. Also called: HYPERTROPHIC MYOCARDIOPATHY. Identifiers: Orphanet 217569, MedGen C0007194, MeSH D002312, MONDO:0005045, HP:0001639.
Cardiovascular phenotype. Identifiers: MedGen CN230736.

Allele frequency attached by ClinVar (database versions not stated): gnomAD exomes 0.00011 and 0.00036; ExAC 0.00040; ESP Exome Variant Server 0.00131; gnomAD 0.00133 and 0.00138; TOPMed 0.00151; 1000 Genomes Project 0.00200; 1000 Genomes Project 30x 0.00250.
gnomAD v4.1: 373 of 1,614,206 alleles (0.023%); highest among the groups gnomAD compares: African/African-American, 0.46%; no homozygotes.

Submissions (8):

Labcorp Genetics (formerly Invitae), Labcorp
Classification: Benign for Hypertrophic cardiomyopathy 19. Last evaluated: 2026-02-01. Review status: criteria provided, single submitter. Criteria: Invitae Variant Classification Sherloc (09022015). Collection method: clinical testing. Allele origin: germline.

Blueprint Genetics
Classification: Likely benign. Last evaluated: 2024-08-20. Review status: criteria provided, single submitter. Criteria: ACMG Guidelines, 2015. Collection method: clinical testing. Allele origin: germline.

Women's Health and Genetics/Laboratory Corporation of America, LabCorp
Classification: Likely benign. Last evaluated: 2024-03-11. Review status: criteria provided, single submitter. Criteria: LabCorp Variant Classification Summary - May 2015. Collection method: clinical testing. Allele origin: germline.

Center for Genomics, Ann and Robert H. Lurie Children's Hospital of Chicago
Classification: Uncertain significance for Hypertrophic cardiomyopathy. Last evaluated: 2021-03-30. Review status: criteria provided, single submitter. Criteria: ACMG Guidelines, 2015. Collection method: clinical testing. Allele origin: germline.
Comment: CALR3 NM_145046.4 exon 7 p.Thr283Ile (c.848C>T): This variant has not been reported in the literature but is present in 0.5% (126/24970) of African alleles in the Genome Aggregation Database. This variant is present in ClinVar (Variation ID:416239). Evolutionary conservation and computational predictive tools for this variant are unclear. In summary, data on this variant is insufficient for disease classification. Therefore, the clinical significance of this variant is uncertain.

Ambry Genetics
Classification: Uncertain significance for Cardiovascular phenotype. Last evaluated: 2013-07-10. Review status: criteria provided, single submitter. Criteria: Ambry Autosomal Dominant and X-Linked criteria (10/2015). Collection method: clinical testing. Allele origin: germline. Observed: 1 variant allele.
Comment: There is insufficient or conflicting evidence for classification of this alteration.

Clinical Genetics DNA and cytogenetics Diagnostics Lab, Erasmus MC, Erasmus Medical Center
Classification: Likely benign. Review status: no assertion criteria provided. Collection method: clinical testing. Allele origin: germline. Affected: yes. Study: VKGL Data-share Consensus. Not counted in ClinVar's aggregate classification.

Clinical Genetics, Academic Medical Center
Classification: Benign. Review status: no assertion criteria provided. Collection method: clinical testing. Allele origin: germline. Affected: yes. Study: VKGL Data-share Consensus. Not counted in ClinVar's aggregate classification.

Genome Diagnostics Laboratory, University Medical Center Utrecht
Classification: Likely benign. Review status: no assertion criteria provided. Collection method: clinical testing. Allele origin: germline. Affected: yes. Study: VKGL Data-share Consensus. Not counted in ClinVar's aggregate classification.